The following is an entry in ClinVar:

NM_031433.4(MFRP):c.298del (p.Ala100fs)

Genes: C1QTNF5 (C1q and TNF related 5; minus strand), MFRP (membrane frizzled-related protein; minus strand). Cytogenetic location: 11q23.3.
Variant type: Deletion.
Coding change: c.298del on transcript NM_031433.4 (MANE Select); coding-DNA position 298, one base deleted (G; older notation c.298delG).
Protein change: p.Ala100fs; shifts the reading frame from alanine 100.
Molecular consequence: frameshift variant. On other transcripts: 5 prime UTR variant (1).
Genome position (GRCh38, 1-based): chr11:119,345,902, C deleted on the plus strand (G on the coding strand, the reverse complement: MFRP is on the minus strand); the first of 4 consecutive C bases (chr11:119,345,902-119,345,905); deleting any one gives the same sequence. VCF-style (leftmost placement, unchanged base first): chr11-119345901-GC-G. GRCh37 (hg19) VCF-style: chr11-119216611-GC-G.
Other names: c.-2339del (NM_015645.5); short protein forms A100fs.
Identifiers: ClinVar variation 497209 (VCV000497209.15), dbSNP rs750894392, ClinGen allele CA6320625.

ClinVar aggregate classification (germline): Pathogenic/Likely pathogenic. Review status: criteria provided, multiple submitters, no conflicts (2 of 4 stars). 4 submissions from 4 submitters: Pathogenic (3); Likely pathogenic (1). Last evaluated 2025-12-10.

Conditions:
MFRP-related disorder. Also called: MFRP-related disorders; MFRP-related condition.
Isolated microphthalmia 5. Also called: Posterior Microphthalmia with Retinitis Pigmentosa, Foveoschisis, and Optic Disc Drusen. Identifiers: Orphanet 251279, MedGen C1970236, MONDO:0012605, OMIM 611040.

Submissions (4):

Dasa
Classification: Likely pathogenic. Last evaluated: 2025-12-10. Review status: criteria provided, single submitter. Criteria: DASA Assertion Criteria. Collection method: clinical testing. Allele origin: germline.
Comment: NM_031433.4(MFRP):c.298del (p.Ala100Argfs*37) is a frameshift variant in MFRP predicted to alter the reading frame and introduce a premature termination codon and is predicted to result in an absent or altered protein product. Loss of function is an established disease mechanism for MFRP-associated disorders. Also, this variant is rare in population databases. Based on the currently available evidence, this variant is classified as likely pathogenic.

Labcorp Genetics (formerly Invitae), Labcorp
Classification: Pathogenic for Isolated microphthalmia 5. Last evaluated: 2025-03-17. Review status: criteria provided, single submitter. Criteria: Invitae Variant Classification Sherloc (09022015). Collection method: clinical testing. Allele origin: germline.
Comment: This sequence change creates a premature translational stop signal (p.Ala100Argfs*37) in the MFRP gene. It is expected to result in an absent or disrupted protein product. Loss-of-function variants in MFRP are known to be pathogenic (PMID: 12140190, 15976030, 20361016). The frequency data for this variant in the population databases is considered unreliable, as metrics indicate poor data quality at this position in the gnomAD database. This variant has not been reported in the literature in individuals affected with MFRP-related conditions. ClinVar contains an entry for this variant (Variation ID: 497209). For these reasons, this variant has been classified as Pathogenic.

Blueprint Genetics
Classification: Pathogenic for MFRP-related disorders. Last evaluated: 2022-01-26. Review status: criteria provided, single submitter. Criteria: ACMG Guidelines, 2015. Collection method: clinical testing. Allele origin: germline. Affected: yes. Observed: 2 variant alleles.

Eurofins Ntd Llc (ga)
Classification: Pathogenic. Last evaluated: 2016-10-06. Review status: criteria provided, single submitter. Criteria: EGL Classification Definitions 2015. Collection method: clinical testing. Allele origin: germline. Observed: 1 variant allele, 1 heterozygote.

Literature cited by the submitters: PubMed 12140190 (cited by Labcorp Genetics (formerly Invitae), Labcorp); PubMed 15976030 (cited by Labcorp Genetics (formerly Invitae), Labcorp); PubMed 20361016 (cited by Labcorp Genetics (formerly Invitae), Labcorp).